The following is an entry in ClinVar:

ClinVar aggregate classification (germline): Conflicting classifications of pathogenicity. Review status: criteria provided, conflicting classifications (1 of 4 stars). 3 submissions from 3 submitters: Uncertain significance (2); Likely benign (1). Last evaluated 2025-08-12.

Conditions:
Inborn genetic diseases. Identifiers: MedGen C0950123, MeSH D030342.

Allele frequency attached by ClinVar (database versions not stated): TOPMed 0.00003; ExAC 0.00004; gnomAD 0.00004; gnomAD exomes 0.00005; ESP Exome Variant Server 0.00008; 1000 Genomes Project 0.00020; 1000 Genomes Project 30x 0.00031.
gnomAD v4.1: 81 of 1,614,226 alleles (0.005%); highest among the groups gnomAD compares: Middle Eastern, 0.016%; no homozygotes.

Submissions (3):

Ambry Genetics
Classification: Uncertain significance for Inborn genetic diseases. Last evaluated: 2025-08-12. Review status: criteria provided, single submitter. Criteria: Ambry Variant Classification Scheme 2023. Collection method: clinical testing. Allele origin: germline.

Blueprint Genetics
Classification: Likely benign. Last evaluated: 2024-09-03. Review status: criteria provided, single submitter. Criteria: ACMG Guidelines, 2015. Collection method: clinical testing. Allele origin: germline.

Labcorp Genetics (formerly Invitae), Labcorp
Classification: Uncertain significance. Last evaluated: 2022-08-05. Review status: criteria provided, single submitter. Criteria: Invitae Variant Classification Sherloc (09022015). Collection method: clinical testing. Allele origin: germline.
Comment: This sequence change replaces asparagine, which is neutral and polar, with serine, which is neutral and polar, at codon 792 of the C2CD3 protein (p.Asn792Ser). This variant is present in population databases (rs369089792, gnomAD 0.01%). This variant has not been reported in the literature in individuals affected with C2CD3-related conditions. Algorithms developed to predict the effect of missense changes on protein structure and function output the following: SIFT: "Tolerated"; PolyPhen-2: "Benign"; Align-GVGD: "Class C0". The serine amino acid residue is found in multiple mammalian species, which suggests that this missense change does not adversely affect protein function. In summary, the available evidence is currently insufficient to determine the role of this variant in disease. Therefore, it has been classified as a Variant of Uncertain Significance.

NM_001286577.2(C2CD3):c.2375A>G (p.Asn792Ser)

Gene: C2CD3 (C2 domain containing 3 centriole elongation regulator; minus strand). Cytogenetic location: 11q13.4.
Variant type: single nucleotide variant.
Coding change: c.2375A>G on transcript NM_001286577.2 (MANE Select); coding-DNA position 2375, A replaced by G.
Protein change: p.Asn792Ser; replaces asparagine 792 with serine.
Molecular consequence: missense variant.
Genome position (GRCh38, 1-based): chr11:74,103,336, T>C on the plus strand (A>G on the coding strand, the complement: C2CD3 is on the minus strand). VCF-style: chr11-74103336-T-C. GRCh37 (hg19) VCF-style: chr11-73814381-T-C.
Other names: c.2375A>G, p.Asn792Ser (NM_015531.6); c.2375A>G (NM_015531.4); short protein forms N792S.
Identifiers: ClinVar variation 2198120 (VCV002198120.5), dbSNP rs369089792, ClinGen allele CA6182651.
Genomic context (GRCh38, chr11:74,103,336, plus strand): 5'-GGCACCATCAACAGCACATGCAACAGCAAAGCACTCTCTTTTGTTGTCCCATTTGTCTGA[T>C]TGACTAAATTATGGGAGGCTGGCGTAGCTACGAAGGTTGAAGGATGTGGTGCTACAGGGC-3'
Protein context (NP_001273506.1, residues 782-802): VATPASHNLV[Asn792Ser]QTNGTTKESA